The following is an entry in ClinVar:

ClinVar aggregate classification (germline): Uncertain significance (1 of 4 stars; one submission).

gnomAD v4.1: 3 of 1,614,048 alleles (0.00019%); highest among the groups gnomAD compares: East Asian, 0.0045%; no homozygotes.

Submission:

Labcorp Genetics (formerly Invitae), Labcorp
Classification: Uncertain significance. Last evaluated: 2025-06-15. Review status: criteria provided, single submitter. Criteria: Invitae Variant Classification Sherloc (09022015). Collection method: clinical testing. Allele origin: germline.
Comment: This sequence change replaces alanine, which is neutral and non-polar, with proline, which is neutral and non-polar, at codon 370 of the TNNI3K protein (p.Ala370Pro). This variant is present in population databases (no rsID available, gnomAD 0.003%). This variant has not been reported in the literature in individuals affected with TNNI3K-related conditions. Invitae Evidence Modeling of protein sequence and biophysical properties (such as structural, functional, and spatial information, amino acid conservation, physicochemical variation, residue mobility, and thermodynamic stability) indicates that this missense variant is not expected to disrupt TNNI3K protein function with a negative predictive value of 80%. In summary, the available evidence is currently insufficient to determine the role of this variant in disease. Therefore, it has been classified as a Variant of Uncertain Significance.

NM_015978.3(TNNI3K):c.1108G>C (p.Ala370Pro)

Genes: FPGT-TNNI3K (FPGT-TNNI3K readthrough; plus strand), TNNI3K (TNNI3 interacting kinase; plus strand). Cytogenetic location: 1p31.1.
Variant type: single nucleotide variant.
Coding change: c.1108G>C on transcript NM_015978.3 (MANE Select); coding-DNA position 1108, G replaced by C.
Protein change: p.Ala370Pro; replaces alanine 370 with proline.
Molecular consequence: missense variant.
Genome position (GRCh38, 1-based): chr1:74,354,060, G>C. VCF-style: chr1-74354060-G-C. GRCh37 (hg19) VCF-style: chr1-74819744-G-C.
Other names: c.1411G>C, p.Ala471Pro (NM_001112808.3, NM_001199327.2); short protein forms A370P, A471P.
Identifiers: ClinVar variation 4763830 (VCV004763830.1).